The following is an entry in ClinVar:

NM_001367721.1(CASK):c.828dup (p.Lys277Ter)

Gene: CASK (calcium/calmodulin dependent serine protein kinase; minus strand). Cytogenetic location: Xp11.4.
Variant type: Duplication.
Coding change: c.828dup on transcript NM_001367721.1 (MANE Select); coding-DNA position 828, one base duplicated (T; older notation c.828dupT).
Protein change: p.Lys277Ter; replaces lysine 277 with a stop codon.
Molecular consequence: nonsense.
Genome position (GRCh38, 1-based): chrX:41,660,442, A duplicated on the plus strand (T on the coding strand, the reverse complement: CASK is on the minus strand); the first of 2 consecutive A bases (chrX:41,660,442-41,660,443); duplicating either gives the same sequence. VCF-style (leftmost placement, unchanged base first): chrX-41660441-T-TA. GRCh37 (hg19) VCF-style: chrX-41519694-T-TA.
Other names: c.828dup, p.Lys277Ter (NM_001126054.3, NM_001126055.3, NM_001410745.1 and 1 more transcripts); short protein forms K277*.
Identifiers: ClinVar variation 4734403 (VCV004734403.1).

ClinVar aggregate classification (germline): Pathogenic (1 of 4 stars; one submission).

Conditions:
Intellectual disability, CASK-related, X-linked. Identifiers: MedGen CN043158.

Submission:

Labcorp Genetics (formerly Invitae), Labcorp
Classification: Pathogenic for Intellectual disability, CASK-related, X-linked. Last evaluated: 2025-12-30. Review status: criteria provided, single submitter. Criteria: Invitae Variant Classification Sherloc (09022015). Collection method: clinical testing. Allele origin: germline.
Comment: This sequence change creates a premature translational stop signal (p.Lys277*) in the CASK gene. It is expected to result in an absent or disrupted protein product. Loss-of-function variants in CASK are known to be pathogenic (PMID: 19165920, 20029458, 21954287, 22452838, 22709267). This variant is not present in population databases (gnomAD no frequency). This variant has not been reported in the literature in individuals affected with CASK-related conditions. For these reasons, this variant has been classified as Pathogenic.

Literature cited by the submitters: PubMed 19165920; PubMed 20029458; PubMed 21954287; PubMed 22452838; PubMed 22709267.